The following is an entry in ClinVar:

NM_002661.5(PLCG2):c.649-3C>G

Gene: PLCG2 (phospholipase C gamma 2; plus strand). Cytogenetic location: 16q23.3.
Variant type: single nucleotide variant.
Coding change: c.649-3C>G on transcript NM_002661.5 (MANE Select); 3 bases into the intron before coding-DNA position 649, C replaced by G.
Molecular consequence: intron variant.
Genome position (GRCh38, 1-based): chr16:81,880,907, C>G. VCF-style: chr16-81880907-C-G. GRCh37 (hg19) VCF-style: chr16-81914512-C-G.
Other names: c.649-3C>G (NM_001425751.1, NM_001425749.1, NM_001425750.1).
Identifiers: ClinVar variation 3390049 (VCV003390049.14).

ClinVar aggregate classification (germline): Uncertain significance (1 of 4 stars; one submission).

Submission:

CeGaT Center for Human Genetics Tuebingen
Classification: Uncertain significance. Last evaluated: 2024-11-01. Review status: criteria provided, single submitter. Criteria: CeGaT Center For Human Genetics Tuebingen Variant Classification Criteria Version 2. Collection method: clinical testing. Allele origin: germline. Affected: yes. Observed: 1 variant allele.
Comment: PLCG2: PM2, PP3